The following is an entry in ClinVar:

NM_000503.6(EYA1):c.1744del (p.Ala582fs)

Gene: EYA1 (EYA transcriptional coactivator and phosphatase 1; minus strand). Cytogenetic location: 8q13.3.
Variant type: Deletion.
Coding change: c.1744del on transcript NM_000503.6 (MANE Select); coding-DNA position 1744, one base deleted (G; older notation c.1744delG).
Protein change: p.Ala582fs; shifts the reading frame from alanine 582.
Molecular consequence: frameshift variant.
Genome position (GRCh38, 1-based): chr8:71,199,375, C deleted on the plus strand (G on the coding strand, the reverse complement: EYA1 is on the minus strand); the first of 2 consecutive C bases (chr8:71,199,375-71,199,376); deleting either gives the same sequence. VCF-style (leftmost placement, unchanged base first): chr8-71199374-GC-G. GRCh37 (hg19) VCF-style: chr8-72111609-GC-G.
Other names: c.1726del, p.Ala576fs (NM_001288574.2, NM_172059.5); c.1378del, p.Ala460fs (NM_001288575.2); c.1831del, p.Ala611fs (NM_001370333.1); c.1744del, p.Ala582fs (NM_001370334.1, NM_001370335.1, NM_172058.4); c.1723del, p.Ala575fs (NM_001370336.1); c.1645del, p.Ala549fs (NM_001411797.1, NM_172060.4); short protein forms A460fs, A549fs, A575fs, A576fs, A582fs, A611fs.
Identifiers: ClinVar variation 3601107 (VCV003601107.1).

ClinVar aggregate classification (germline): Likely pathogenic (1 of 4 stars; one submission).

Conditions:
Branchiootorenal syndrome 1. Also called: Branchio-Oto-Renal Syndrome 1. Identifiers: Orphanet 107, MedGen C4551702, MONDO:0007236, OMIM 113650.

Submission:

Institute of Rare Diseases, West China Hospital, Sichuan University
Classification: Likely pathogenic for Branchiootorenal syndrome 1. Last evaluated: 2025-01-09. Review status: criteria provided, single submitter. Criteria: ClinGen HL ACMG Specifications v1. Collection method: research. Allele origin: germline. Affected: yes.
Comment: PVS1;PM2_Supporting